The following is an entry in ClinVar:

ClinVar aggregate classification (germline): Uncertain significance (1 of 4 stars; one submission).

Conditions:
Cystic fibrosis (CF). Also called: MUCOVISCIDOSIS. Identifiers: Orphanet 586, MedGen C0010674, MONDO:0009061, OMIM 219700. Disease mechanism: loss of function.

Submission:

Labcorp Genetics (formerly Invitae), Labcorp
Classification: Uncertain significance for Cystic fibrosis. Last evaluated: 2024-04-22. Review status: criteria provided, single submitter. Criteria: Invitae Variant Classification Sherloc (09022015). Collection method: clinical testing. Allele origin: germline.
Comment: This sequence change replaces leucine, which is neutral and non-polar, with proline, which is neutral and non-polar, at codon 644 of the CFTR protein (p.Leu644Pro). This variant is not present in population databases (gnomAD no frequency). This variant has not been reported in the literature in individuals affected with CFTR-related conditions. Advanced modeling of protein sequence and biophysical properties (such as structural, functional, and spatial information, amino acid conservation, physicochemical variation, residue mobility, and thermodynamic stability) performed at Invitae indicates that this missense variant is expected to disrupt CFTR protein function with a positive predictive value of 80%. In summary, the available evidence is currently insufficient to determine the role of this variant in disease. Therefore, it has been classified as a Variant of Uncertain Significance.

NM_000492.4(CFTR):c.1931T>C (p.Leu644Pro)

Gene: CFTR (CF transmembrane conductance regulator; plus strand). Cytogenetic location: 7q31.2.
Variant type: single nucleotide variant.
Coding change: c.1931T>C on transcript NM_000492.4 (MANE Select); coding-DNA position 1931, T replaced by C.
Protein change: p.Leu644Pro; replaces leucine 644 with proline.
Molecular consequence: missense variant.
Genome position (GRCh38, 1-based): chr7:117,592,098, T>C. VCF-style: chr7-117592098-T-C. GRCh37 (hg19) VCF-style: chr7-117232152-T-C.
Other names: short protein forms L644P.
Identifiers: ClinVar variation 3650521 (VCV003650521.2).